The following is an entry in ClinVar:

NM_032043.3(BRIP1):c.1291A>G (p.Arg431Gly)

Gene: BRIP1 (BRCA1 interacting DNA helicase 1; minus strand). Cytogenetic location: 17q23.2.
Variant type: single nucleotide variant.
Coding change: c.1291A>G on transcript NM_032043.3 (MANE Select); coding-DNA position 1291, A replaced by G.
Protein change: p.Arg431Gly; replaces arginine 431 with glycine.
Molecular consequence: missense variant.
Genome position (GRCh38, 1-based): chr17:61,799,149, T>C on the plus strand (A>G on the coding strand, the complement: BRIP1 is on the minus strand). VCF-style: chr17-61799149-T-C. GRCh37 (hg19) VCF-style: chr17-59876510-T-C.
Other names: short protein forms R431G.
Identifiers: ClinVar variation 3894156 (VCV003894156.1).
Genomic context (GRCh38, chr17:61,799,149, plus strand): 5'-AATCTTCTTACTTAATGAGGCTACAGCACACAGCTCGTAGGGGTTCATGATCTTTCTTCC[T>C]TATATTATTGTTGACCATACTATCTAGTTCATCCCGAGCAAACCGAAGCTGAACTTCTGT-3'
Protein context (NP_114432.2, residues 421-441): ELDSMVNNNI[Arg431Gly]KKDHEPLRAV

ClinVar aggregate classification (germline): Uncertain significance (1 of 4 stars; one submission).

Conditions:
Hereditary cancer-predisposing syndrome. Also called: Neoplastic Syndromes, Hereditary; Tumor predisposition; Hereditary Cancer Syndrome; Hereditary neoplastic syndrome. Identifiers: Orphanet 140162, MedGen C0027672, MeSH D009386, MONDO:0015356.

Submission:

Color Diagnostics, LLC DBA Color Health
Classification: Uncertain significance for Hereditary cancer-predisposing syndrome. Last evaluated: 2024-11-04. Review status: criteria provided, single submitter. Criteria: ACMG Guidelines, 2015. Collection method: clinical testing. Allele origin: germline.
Comment: This missense variant replaces arginine with glycine at codon 431 of the BRIP1 protein. Computational prediction is inconclusive regarding the impact of this variant on protein structure and function (internally defined REVEL score threshold 0.5 < inconclusive < 0.7, PMID: 27666373). To our knowledge, functional studies have not been reported for this variant. This variant has not been reported in individuals affected with BRIP1-related disorders in the literature. This variant has not been identified in the general population by the Genome Aggregation Database (gnomAD). The available evidence is insufficient to determine the role of this variant in disease conclusively. Therefore, this variant is classified as a Variant of Uncertain Significance.